The following is an entry in ClinVar:

NM_000038.6(APC):c.3714_3717del (p.Ser1238fs)

Gene: APC (APC regulator of Wnt signaling pathway; plus strand). Cytogenetic location: 5q22.2.
Variant type: Deletion.
Coding change: c.3714_3717del on transcript NM_000038.6 (MANE Select); coding-DNA positions 3714 to 3717, 4 bases deleted (TAGA; older notation c.3714_3717delTAGA).
Protein change: p.Ser1238fs; shifts the reading frame from serine 1238.
Molecular consequence: frameshift variant.
Genome position (GRCh38, 1-based): chr5:112,839,308-112,839,311, TAGA deleted. VCF-style (leftmost placement, unchanged base first): chr5-112839307-GTAGA-G. GRCh37 (hg19) VCF-style: chr5-112175004-GTAGA-G.
Other names: c.3714_3717del, p.Ser1238fs (NM_001127510.3, NM_001354895.2); c.3660_3663del, p.Ser1220fs (NM_001127511.3); c.3768_3771del, p.Ser1256fs (NM_001354896.2); c.3744_3747del, p.Ser1248fs (NM_001354897.2); c.3639_3642del, p.Ser1213fs (NM_001354898.2); c.3630_3633del, p.Ser1210fs (NM_001354899.2); c.3591_3594del, p.Ser1197fs (NM_001354900.2); c.3537_3540del, p.Ser1179fs (NM_001354901.2); and 5 more; short protein forms S1078fs, S1147fs, S955fs, S1137fs, S1179fs, S1197fs, S1256fs, S1112fs.
Identifiers: ClinVar variation 1378129 (VCV001378129.8), dbSNP rs2149897607, ClinGen allele CA2573138694.

ClinVar aggregate classification (germline): Pathogenic (1 of 4 stars; one submission).

Conditions:
Familial adenomatous polyposis 1 (FAP1). Also called: FAMILIAL ADENOMATOUS POLYPOSIS 1, ATTENUATED; POLYPOSIS, ADENOMATOUS INTESTINAL. Identifiers: MedGen C2713442, MONDO:0021056, OMIM 175100. Disease mechanism: loss of function.

Submission:

Labcorp Genetics (formerly Invitae), Labcorp
Classification: Pathogenic for Familial adenomatous polyposis 1. Last evaluated: 2020-12-03. Review status: criteria provided, single submitter. Criteria: Invitae Variant Classification Sherloc (09022015). Collection method: clinical testing. Allele origin: germline.
Comment: This sequence change creates a premature translational stop signal (p.Ser1238Argfs*26) in the APC gene. While this is not anticipated to result in nonsense mediated decay, it is expected to disrupt the last 1606 amino acids of the APC protein. This variant is not present in population databases (ExAC no frequency). This variant has not been reported in the literature in individuals with APC-related conditions. This variant disrupts the C-terminus of the APC protein. Other variants that disrupt this region (p.Tyr2645Lysfs*14) have been determined to be pathogenic (PMID: 9824584, 1316610, 27081525, 8381579, 22135120, Invitae). This suggests that variants that disrupt this region of the protein are likely to be causative of disease. For these reasons, this variant has been classified as Pathogenic. This variant is expected to disrupt the EB1 and HDLG binding sites, which mediate interactions with the cytoskeleton (PMID: 15311282, 17293347). While functional studies have not been performed to directly test the effect on APC protein function, this suggests that disruption of the C-terminal portion of the protein is functionally important.

Literature cited by the submitters: PubMed 9824584; PubMed 1316610; PubMed 27081525; PubMed 8381579; PubMed 22135120; PubMed 15311282; PubMed 17293347.